The following is an entry in ClinVar:

NM_000059.4(BRCA2):c.10215G>T (p.Glu3405Asp)

Gene: BRCA2 (BRCA2 DNA repair associated; plus strand). Cytogenetic location: 13q13.1.
Variant type: single nucleotide variant.
Coding change: c.10215G>T on transcript NM_000059.4 (MANE Select); coding-DNA position 10215, G replaced by T.
Protein change: p.Glu3405Asp; replaces glutamic acid 3405 with aspartic acid.
Molecular consequence: missense variant.
Genome position (GRCh38, 1-based): chr13:32,398,728, G>T. VCF-style: chr13-32398728-G-T. GRCh37 (hg19) VCF-style: chr13-32972865-G-T.
Other names: short protein forms E3405D.
Identifiers: ClinVar variation 462223 (VCV000462223.11), dbSNP rs1555290072, ClinGen allele CA387768492.

ClinVar aggregate classification (germline): Uncertain significance. Review status: criteria provided, multiple submitters, no conflicts (2 of 4 stars). 2 submissions from 2 submitters: Uncertain significance (2). Last evaluated 2021-04-12.

Conditions:
Hereditary cancer-predisposing syndrome. Also called: Neoplastic Syndromes, Hereditary; Hereditary Cancer Syndrome; Hereditary neoplastic syndrome; Tumor predisposition. Identifiers: Orphanet 140162, MedGen C0027672, MeSH D009386, MONDO:0015356.
Hereditary breast ovarian cancer syndrome. Also called: Hereditary breast and ovarian cancer syndrome (HBOC); Hereditary breast and ovarian cancer syndrome; Breast and ovarian cancer; Hereditary breast and/or ovarian cancer syndrome; Hereditary breast and ovarian cancer; BRCA1- and BRCA2-Associated Hereditary Breast and Ovarian Cancer. Identifiers: Orphanet 145, MedGen C0677776, MeSH D061325, MONDO:0003582. Disease mechanism: loss of function.

Submissions (2):

Ambry Genetics
Classification: Uncertain significance for Hereditary cancer-predisposing syndrome. Last evaluated: 2021-04-12. Review status: criteria provided, single submitter. Criteria: Ambry Variant Classification Scheme 2023. Collection method: clinical testing. Allele origin: germline.
Comment: The p.E3405D variant (also known as c.10215G>T), located in coding exon 26 of the BRCA2 gene, results from a G to T substitution at nucleotide position 10215. The glutamic acid at codon 3405 is replaced by aspartic acid, an amino acid with highly similar properties. This amino acid position is poorly conserved in available vertebrate species. In addition, this alteration is predicted to be tolerated by in silico analysis. Since supporting evidence is limited at this time, the clinical significance of this alteration remains unclear.

Labcorp Genetics (formerly Invitae), Labcorp
Classification: Uncertain significance for Hereditary breast ovarian cancer syndrome. Last evaluated: 2020-11-03. Review status: criteria provided, single submitter. Criteria: Invitae Variant Classification Sherloc (09022015). Collection method: clinical testing. Allele origin: germline.
Comment: This sequence change replaces glutamic acid with aspartic acid at codon 3405 of the BRCA2 protein (p.Glu3405Asp). The glutamic acid residue is weakly conserved and there is a small physicochemical difference between glutamic acid and aspartic acid. This variant is not present in population databases (ExAC no frequency) and has not been reported in the literature in individuals with a BRCA2-related disease. Algorithms developed to predict the effect of missense changes on protein structure and function (SIFT, PolyPhen-2, Align-GVGD) all suggest that this variant is likely to be tolerated, but these predictions have not been confirmed by published functional studies. In summary, this variant is a novel missense change that is not predicted to affect protein function. There is no indication that it causes disease, but the available evidence is currently insufficient to prove that conclusively. Therefore, it has been classified as a Variant of Uncertain Significance.